The following is an entry in ClinVar:

ClinVar aggregate classification (germline): Likely pathogenic (1 of 4 stars; one submission).

Conditions:
Marfan syndrome (MFS). Also called: FBN1-Related Marfan Syndrome; MARFAN SYNDROME, TYPE I; Marfan syndrome type 1; Marfan's syndrome; Marfan syndrome, classic. Identifiers: Orphanet 284963, Orphanet 558, MedGen C0024796, MONDO:0007947, OMIM 154700.
Familial thoracic aortic aneurysm and aortic dissection (TAAD). Also called: Thoracic aortic aneurysms and dissections. Identifiers: Orphanet 91387, MedGen C4707243, MONDO:0019625.

Submission:

Labcorp Genetics (formerly Invitae), Labcorp
Classification: Likely pathogenic for Marfan syndrome; Familial thoracic aortic aneurysm and aortic dissection. Last evaluated: 2025-04-27. Review status: criteria provided, single submitter. Criteria: Invitae Variant Classification Sherloc (09022015). Collection method: clinical testing. Allele origin: germline.
Comment: This sequence change replaces cysteine, which is neutral and slightly polar, with serine, which is neutral and polar, at codon 2571 of the FBN1 protein (p.Cys2571Ser). This variant is not present in population databases (gnomAD no frequency). This missense change has been observed in individual(s) with Marfan syndrome (internal data). Invitae Evidence Modeling of protein sequence and biophysical properties (such as structural, functional, and spatial information, amino acid conservation, physicochemical variation, residue mobility, and thermodynamic stability) indicates that this missense variant is expected to disrupt FBN1 protein function with a positive predictive value of 95%. This variant affects a cysteine residue in the EGF-like, TGFBP or hybrid motif domains of FBN1. Cysteine residues are believed to be involved in intramolecular disulfide bridges and have been shown to be important for FBN1 protein structure (PMID: 16905551, 19349279). In addition, missense substitutions affecting cysteine residues within these domains are significantly overrepresented among patients with Marfan syndrome (PMID: 16571647, 17701892). This variant disrupts the p.Cys2571 amino acid residue in FBN1. Other variant(s) that disrupt this residue have been observed in individuals with FBN1-related conditions (PMID: 16222657, 27611364), which suggests that this may be a clinically significant amino acid residue. In summary, the currently available evidence indicates that the variant is pathogenic, but additional data are needed to prove that conclusively. Therefore, this variant has been classified as Likely Pathogenic.

Literature cited by the submitters: PubMed 16905551; PubMed 19349279; PubMed 16571647; PubMed 17701892; PubMed 16222657; PubMed 27611364.

NM_000138.5(FBN1):c.7711T>A (p.Cys2571Ser)

Gene: FBN1 (fibrillin 1; minus strand). Cytogenetic location: 15q21.1.
Variant type: single nucleotide variant.
Coding change: c.7711T>A on transcript NM_000138.5 (MANE Select); coding-DNA position 7711, T replaced by A.
Protein change: p.Cys2571Ser; replaces cysteine 2571 with serine.
Molecular consequence: missense variant.
Genome position (GRCh38, 1-based): chr15:48,420,795, A>T on the plus strand (T>A on the coding strand, the complement: FBN1 is on the minus strand). VCF-style: chr15-48420795-A-T. GRCh37 (hg19) VCF-style: chr15-48712992-A-T.
Other names: c.7711T>A, p.Cys2571Ser (NM_001406716.1); short protein forms C2571S.
Identifiers: ClinVar variation 4789629 (VCV004789629.1).
Genomic context (GRCh38, chr15:48,420,795, plus strand): 5'-TGCACCTGTAGCCCCCAATGATGTTCTGGCAGCCATGCTGGCAGCGGTGGTTACCCTCAC[A>T]CTCGTCCACGTCTGAAAAAGAAGCAGAGCCACCATGATGCCAACTCAACATCTCTCTCTG-3'
Protein context (NP_000129.3, residues 2561-2581): TGSSCEDVDE[Cys2571Ser]EGNHRCQHGC